The following is an entry in ClinVar:

ClinVar aggregate classification (germline): Likely benign (0 of 4 stars; one submission).

Conditions:
DYRK1B-related disorder. Also called: DYRK1B-related condition.

Allele frequency attached by ClinVar (database versions not stated): ExAC 0.00001; gnomAD 0.00001; gnomAD exomes 0.00001; TOPMed 0.00002.
gnomAD v4.1: 20 of 1,613,636 alleles (0.0012%); highest among the groups gnomAD compares: Non-Finnish European, 0.0016%; no homozygotes.

Submission:

PreventionGenetics, part of Exact Sciences
Classification: Likely benign for DYRK1B-related condition. Last evaluated: 2023-06-16. Review status: no assertion criteria provided. Collection method: clinical testing. Allele origin: germline.
Comment: This variant is classified as likely benign based on ACMG/AMP sequence variant interpretation guidelines (Richards et al. 2015 PMID: 25741868, with internal and published modifications).

NM_004714.3(DYRK1B):c.597C>T (p.Asp199=)

Gene: DYRK1B (dual specificity tyrosine phosphorylation regulated kinase 1B; minus strand). Cytogenetic location: 19q13.2.
Variant type: single nucleotide variant.
Coding change: c.597C>T on transcript NM_004714.3 (MANE Select); coding-DNA position 597, C replaced by T.
Protein change: p.Asp199=; no amino-acid change (aspartic acid 199 retained).
Molecular consequence: synonymous variant.
Genome position (GRCh38, 1-based): chr19:39,828,507, G>A on the plus strand (C>T on the coding strand, the complement: DYRK1B is on the minus strand). VCF-style: chr19-39828507-G-A. GRCh37 (hg19) VCF-style: chr19-40319147-G-A.
Other names: c.597C>T, p.Asp199= (NM_006483.3, NM_006484.3).
Identifiers: ClinVar variation 3030819 (VCV003030819.2), dbSNP rs768079960, ClinGen allele CA9434253.
Genomic context (GRCh38, chr19:39,828,507, plus strand): 5'-CTGCGCCAGCTTCCGGGTCAGGTTCAGCGAGACGCCGCGGAAGTGGGTGTTGCGCAGGAG[G>A]TCGTACAGGTTGTAGGACAGCAGCTCAAATACCAGGCACAGGTGGTTCCGGAACATGAAG-3'
Protein context (NP_004705.1, residues 189-209): VFELLSYNLY[Asp199=]LLRNTHFRGV